The following is an entry in ClinVar:

ClinVar aggregate classification (germline): Uncertain significance (1 of 4 stars; one submission).

Allele frequency attached by ClinVar (database versions not stated): gnomAD exomes below 0.00001; ExAC 0.00001.

Submission:

GeneDx
Classification: Uncertain significance. Last evaluated: 2017-01-26. Review status: criteria provided, single submitter. Criteria: GeneDx Variant Classification (06012015). Collection method: clinical testing. Allele origin: germline. Affected: yes.
Comment: The S4L variant in the RPS7 gene has not been reported previously as a pathogenic variant, nor as a benign variant, to our knowledge. The S4L variant was not observed in approximately 6500 individuals of European and African American ancestry in the NHLBI Exome Sequencing Project, indicating it is not a common benign variant in these populations. The S4L variant is a non-conservative amino acid substitution, which is likely to impact secondary protein structure as these residues differ in polarity, charge, size and/or other properties. This substitution occurs at a position where amino acids with similar properties to Serine are tolerated across species. In silico analysis is inconsistent in its predictions as to whether or not the variant is damaging to the protein structure/function. We interpret S4L as a variant of uncertain significance.

NM_001011.4(RPS7):c.11C>T (p.Ser4Leu)

Gene: RPS7 (ribosomal protein S7; plus strand). Cytogenetic location: 2p25.3.
Variant type: single nucleotide variant.
Coding change: c.11C>T on transcript NM_001011.4 (MANE Select); coding-DNA position 11, C replaced by T.
Protein change: p.Ser4Leu; replaces serine 4 with leucine.
Molecular consequence: missense variant.
Genome position (GRCh38, 1-based): chr2:3,575,620, C>T. VCF-style: chr2-3575620-C-T. GRCh37 (hg19) VCF-style: chr2-3623210-C-T.
Other names: c.11C>T, p.Ser4Leu (LRG_1148t1); short protein forms S4L.
Identifiers: ClinVar variation 392905 (VCV000392905.2), dbSNP rs781456307, ClinGen allele CA1516514.